The following is an entry in ClinVar:

NM_001323289.2(CDKL5):c.2107C>G (p.Leu703Val)

Gene: CDKL5 (cyclin dependent kinase like 5; plus strand). Cytogenetic location: Xp22.13.
Variant type: single nucleotide variant.
Coding change: c.2107C>G on transcript NM_001323289.2 (MANE Select); coding-DNA position 2107, C replaced by G.
Protein change: p.Leu703Val; replaces leucine 703 with valine.
Molecular consequence: missense variant.
Genome position (GRCh38, 1-based): chrX:18,609,525, C>G. VCF-style: chrX-18609525-C-G. GRCh37 (hg19) VCF-style: chrX-18627645-C-G.
Other names: NM_001323289.2(CDKL5):c.2107C>G; p.Leu703Val; c.2107C>G, p.Leu703Val (NM_001037343.2, NM_003159.3); short protein forms L703V.
Identifiers: ClinVar variation 377648 (VCV000377648.8), dbSNP rs776965205, ClinGen allele CA10360460.

ClinVar aggregate classification (germline): Likely benign. Review status: reviewed by expert panel (3 of 4 stars). 3 submissions from 3 submitters: Likely benign (1). 2 of the submissions do not count toward it. Last evaluated 2023-08-28.

Conditions:
CDKL5 disorder. Identifiers: MedGen CN296942, MONDO:0100039.
Developmental and epileptic encephalopathy, 2 (DEE2). Also called: INFANTILE SPASM SYNDROME, X-LINKED 2; CDKL5 deficiency disorder. Identifiers: Orphanet 1934, Orphanet 3451, Orphanet 505652, MedGen C4750718, MONDO:0010396, OMIM 300672.
Angelman syndrome-like. Identifiers: MedGen CN128785.

Allele frequency attached by ClinVar (database versions not stated): ExAC 0.00001; gnomAD exomes 0.00001.
gnomAD v4.1: 3 of 1,211,822 alleles (0.00025%); highest among the groups gnomAD compares: Admixed American, 0.0043%; no homozygotes.

Submissions (3):

ClinGen Rett and Angelman-like Disorders Variant Curation Expert Panel
Classification: Likely benign for CDKL5 disorder. Last evaluated: 2023-08-28. Review status: reviewed by expert panel. Criteria: ClinGen RettAS ACMG Specifications CDKL5 V3.0.0. Collection method: curation. Allele origin: germline. Inheritance: X-linked inheritance.
Comment: The p.Leu703Val variant in CDKL5 is present in 1 female individual in gnomAD (0.0005%) (not sufficient to meet BS1 criteria). The p.Leu703Val variant is observed in at least 2 unaffected individuals (internal database) (BS2). In summary, the p.Leu703Val variant in CDKL5 is classified as likely benign based on the ACMG/AMP criteria (BS2, BP5).

Labcorp Genetics (formerly Invitae), Labcorp
Classification: Uncertain significance for Developmental and epileptic encephalopathy, 2; Angelman syndrome-like. Last evaluated: 2025-06-22. Review status: criteria provided, single submitter. Criteria: Invitae Variant Classification Sherloc (09022015). Collection method: clinical testing. Allele origin: germline. Not counted in ClinVar's aggregate classification.
Comment: This sequence change replaces leucine, which is neutral and non-polar, with valine, which is neutral and non-polar, at codon 703 of the CDKL5 protein (p.Leu703Val). This variant is present in population databases (rs776965205, gnomAD 0.004%). This variant has not been reported in the literature in individuals affected with CDKL5-related conditions. ClinVar contains an entry for this variant (Variation ID: 377648). Invitae Evidence Modeling of protein sequence and biophysical properties (such as structural, functional, and spatial information, amino acid conservation, physicochemical variation, residue mobility, and thermodynamic stability) indicates that this missense variant is not expected to disrupt CDKL5 protein function with a negative predictive value of 95%. In summary, the available evidence is currently insufficient to determine the role of this variant in disease. Therefore, it has been classified as a Variant of Uncertain Significance.

GeneDx
Classification: Likely benign. Last evaluated: 2015-09-01. Review status: criteria provided, single submitter. Criteria: GeneDx Variant Classification (06012015). Collection method: clinical testing. Allele origin: germline. Affected: yes. Not counted in ClinVar's aggregate classification.
Comment: This variant is considered likely benign or benign based on one or more of the following criteria: it is a conservative change, it occurs at a poorly conserved position in the protein, it is predicted to be benign by multiple in silico algorithms, and/or has population frequency not consistent with disease.